The following is an entry in ClinVar:

ClinVar aggregate classification (germline): Pathogenic/Likely pathogenic. Review status: criteria provided, multiple submitters, no conflicts (2 of 4 stars). 2 submissions from 2 submitters: Pathogenic (1); Likely pathogenic (1). Last evaluated 2023-07-19.

Conditions:
Usher syndrome type 1C. Also called: USHER SYNDROME, TYPE I, ACADIAN VARIETY. Identifiers: Orphanet 231169, Orphanet 886, MedGen C1848604, MONDO:0010171, OMIM 276904.

Submissions (2):

Labcorp Genetics (formerly Invitae), Labcorp
Classification: Likely pathogenic. Last evaluated: 2023-07-19. Review status: criteria provided, single submitter. Criteria: Invitae Variant Classification Sherloc (09022015). Collection method: clinical testing. Allele origin: germline.
Comment: In summary, the currently available evidence indicates that the variant is pathogenic, but additional data are needed to prove that conclusively. Therefore, this variant has been classified as Likely Pathogenic. This sequence change affects a donor splice site in intron 6 of the USH1C gene. It is expected to disrupt RNA splicing. Variants that disrupt the donor or acceptor splice site typically lead to a loss of protein function (PMID: 16199547), and loss-of-function variants in USH1C are known to be pathogenic (PMID: 10973247, 17407589, 20301442, 21203349). This variant is not present in population databases (gnomAD no frequency). Disruption of this splice site has been observed in individual(s) with USH1C-related conditions (PMID: 28944237). Algorithms developed to predict the effect of sequence changes on RNA splicing suggest that this variant may disrupt the consensus splice site.

Department of Human Genetics, Hannover Medical School
Classification: Pathogenic for Usher syndrome type 1C. Last evaluated: 2022-02-22. Review status: criteria provided, single submitter. Criteria: ACMG Guidelines, 2015. Collection method: clinical testing. Allele origin: germline. Inheritance: Autosomal recessive inheritance. Affected: yes.

Literature cited by the submitters: PubMed 16199547 (cited by Labcorp Genetics (formerly Invitae), Labcorp); PubMed 10973247 (cited by Labcorp Genetics (formerly Invitae), Labcorp); PubMed 17407589 (cited by Labcorp Genetics (formerly Invitae), Labcorp); PubMed 20301442 (cited by Labcorp Genetics (formerly Invitae), Labcorp); PubMed 21203349 (cited by Labcorp Genetics (formerly Invitae), Labcorp); PubMed 28944237 (cited by Labcorp Genetics (formerly Invitae), Labcorp).

NM_153676.4(USH1C):c.521+1G>A

Gene: USH1C (USH1 protein network component harmonin; minus strand). Cytogenetic location: 11p15.1.
Variant type: single nucleotide variant.
Coding change: c.521+1G>A on transcript NM_153676.4 (MANE Select); the canonical splice donor site of the intron after coding-DNA position 521, G replaced by A.
Molecular consequence: splice donor variant.
Genome position (GRCh38, 1-based): chr11:17,527,015, C>T on the plus strand (G>A on the coding strand, the complement: USH1C is on the minus strand). VCF-style: chr11-17527015-C-T. GRCh37 (hg19) VCF-style: chr11-17548562-C-T.
Other names: c.521+1G>A (NM_001297764.2, NM_005709.4).
Identifiers: ClinVar variation 2735559 (VCV002735559.4), dbSNP rs2497189770, ClinGen allele CA379794740.
Genomic context (GRCh38, chr11:17,527,015, plus strand): 5'-GGCTGTACCAGGATCCTGGGCCCACAGGGAAGAGTTGGCCTGCAGAGGAGGGGCCTCTCA[C>T]CTTTTCACGGGGATCAGGCCGATGTCTGCGGGAGAAAGGCACAGGGGTTAGGACAGCTCC-3'